The following continues an entry in ClinVar:

NM_000275.3(OCA2):c.1327G>A (p.Val443Ile)

Gene: OCA2. ClinVar aggregate classification (germline): Pathogenic/Likely pathogenic. Pathogenic (37); Likely pathogenic (2).

Submissions 45 to 51 of 51:

Clinical Genetics, Academic Medical Center
Classification: Pathogenic. Review status: no assertion criteria provided. Collection method: clinical testing. Allele origin: germline. Affected: yes. Study: VKGL Data-share Consensus. Not counted in ClinVar's aggregate classification.

Department of Pathology and Laboratory Medicine, Sinai Health System
Classification: Pathogenic. Review status: no assertion criteria provided. Collection method: clinical testing. Allele origin: unknown. Affected: yes. Study: The Canadian Open Genetics Repository (COGR). Not counted in ClinVar's aggregate classification.
Comment: The OCA2 p.Val419Ile variant (alias: p.Val443Ile) is a well-known variant associated with Oculocutaneous Albinism (OCA). The variant was identified in dbSNP (ID: rs121918166) and was classified as pathogenic in ClinVar by nine submitters (8x pathogenic and 1x likely pathogenic). The associated conditions are: Tyrosinase-positive oculocutaneous albinism, Skin/hair/eye pigmentation, and Oculocutaneous albinism. The variant was also identified in LOVD 3.0 but not Cosmic. The variant was identified in control databases in 860 of 281442 chromosomes (4 homozygous) at a frequency of 0.003056 increasing the likelihood this could be a low frequency benign variant (Genome Aggregation Database Feb 27, 2017). The variant was observed in the following populations: European (non-Finnish) in 653 of 128140 chromosomes (freq: 0.005096), Ashkenazi Jewish in 38 of 10324 chromosomes (freq: 0.003681), Other in 24 of 7196 chromosomes (freq: 0.003335), Latino in 71 of 35394 chromosomes (freq: 0.002006), African in 40 of 24840 chromosomes (freq: 0.00161), European (Finnish) in 23 of 25024 chromosomes (freq: 0.000919), East Asian in 7 of 19928 chromosomes (freq: 0.000351), and South Asian in 4 of 30596 chromosomes (freq: 0.000131). The protein product of OCA2 is known as the P protein which is a transmembrane protein found in the melanosomal membrane. A functional study expressing the OCA2 mutant cDNA containing p.Val443Ile in mouse melanocytes showed decreased melanin production compared to wildtype (Sviderskaya_1997_PMID: 8980282). Another functional study also demonstrated that the p.Val443Ile variant protein localized similarly to wild-type but showed reduced activity of 85% and reduced pH regulation compared to wild-type (Bellano_2014_PMID: 25513726). The variant has been identified in individuals or families with Oculocutaneous Albinism (OCA) (Zhang_2013_PMID: 23744323, Lee_1994_PMID: 8302318, Wei_2016_PMID: 26165494, and Gargiulo_2011_PMID: 20861488). The p.Val443Ile variant has also been implicated in hair and eye colour variation (Morgan_2018_PMID: 30531825; Anderson_2016_PMID: 27468418). The variant occurs outside of the splicing consensus sequence and in silico or computational prediction software programs (SpliceSiteFinder, MaxEntScan, NNSPLICE, and GeneSplicer) do not predict a difference in splicing. The p.Val419 residue is conserved in mammals however computational analyses (PolyPhen-2, SIFT, AlignGVGD, BLOSUM, and MutationTaster) provide inconsistent predictions regarding the impact to the protein; this information is not very predictive of pathogenicity. In summary, based on the above information this variant meets our laboratoryâ€šÃ„Ã´s criteria to be classified as pathogenic.

Genome Diagnostics Laboratory, Amsterdam University Medical Center
Classification: Pathogenic. Review status: no assertion criteria provided. Collection method: clinical testing. Allele origin: germline. Affected: yes. Study: VKGL Data-share Consensus. Not counted in ClinVar's aggregate classification.

Genomics England Pilot Project, Genomics England
Classification: Likely pathogenic for Tyrosinase-positive oculocutaneous albinism. Review status: no assertion criteria provided. Criteria: ACGS Guidelines, 2016. Collection method: clinical testing. Allele origin: germline. Affected: yes. Not counted in ClinVar's aggregate classification.

Joint Genome Diagnostic Labs from Nijmegen and Maastricht, Radboudumc and MUMC+
Classification: Likely pathogenic. Review status: no assertion criteria provided. Collection method: clinical testing. Allele origin: germline. Affected: yes. Study: VKGL Data-share Consensus. Not counted in ClinVar's aggregate classification.

Laboratory of Diagnostic Genome Analysis, Leiden University Medical Center (LUMC)
Classification: Pathogenic. Review status: no assertion criteria provided. Collection method: clinical testing. Allele origin: germline. Affected: yes. Study: VKGL Data-share Consensus. Not counted in ClinVar's aggregate classification.

Centre for Mendelian Genomics, University Medical Centre Ljubljana
Classification: Uncertain significance for Tyrosinase-positive oculocutaneous albinism. Last evaluated: 2016-01-01. Review status: flagged submission. Criteria: ACMG Guidelines, 2015. Collection method: clinical testing. Allele origin: unknown. Affected: yes. Not counted in ClinVar's aggregate classification.
Comment: This variant was classified as: Uncertain significance. The following ACMG criteria were applied in classifying this variant: PM3,PP3,PP4,PP5,BS2.
ClinVar note: Reason: Older claim that does not account for recent evidence

Literature cited by the submitters: PubMed 8302318 (cited by 10 submitters); PubMed 8980282 (cited by 5 submitters); PubMed 10905897 (cited by 3 submitters); PubMed 10987646 (cited by Ambry Genetics and Division of Human Genetics, Children's Hospital of Philadelphia); PubMed 11464238 (cited by Ambry Genetics); PubMed 15712365 (cited by 4 submitters); PubMed 17960121 (cited by 3 submitters); PubMed 18463683 (cited by 6 submitters); PubMed 20861488 (cited by 3 submitters); PubMed 25513726 (cited by 9 submitters); PubMed 28976636 (cited by 3 submitters); PubMed 34838614 (cited by Ambry Genetics); PubMed 29345414 (cited by 4 submitters); PubMed 20301410 (cited by 3 submitters); PubMed 37431738 (cited by Otogenetics); PubMed 20019752 (cited by Dasa); PubMed 23744323 (cited by 3 submitters); PubMed 36950135 (cited by Variantyx, Inc.); PubMed 30665703 (cited by Variantyx, Inc.); PubMed 37650133 (cited by Genetics Department, University Hospital of Toulouse); PubMed 24518832 (cited by Victorian Clinical Genetics Services, Murdoch Childrens Research Institute); PubMed 32830442 (cited by Pittsburgh Clinical Genomics Laboratory, University of Pittsburgh Medical Center); PubMed 31196117 (cited by Pittsburgh Clinical Genomics Laboratory, University of Pittsburgh Medical Center); PubMed 31233279 (cited by Pittsburgh Clinical Genomics Laboratory, University of Pittsburgh Medical Center); PubMed 34246199 (cited by Pittsburgh Clinical Genomics Laboratory, University of Pittsburgh Medical Center); PubMed 32966289 (cited by Pittsburgh Clinical Genomics Laboratory, University of Pittsburgh Medical Center); PubMed 26165494 (cited by Illumina Laboratory Services, Illumina and Laboratory for Molecular Medicine, Mass General Brigham Personalized Medicine); PubMed 26474496 (cited by Laboratory for Molecular Medicine, Mass General Brigham Personalized Medicine); PubMed 27231233 (cited by Laboratory for Molecular Medicine, Mass General Brigham Personalized Medicine); PubMed 28451379 (cited by Laboratory for Molecular Medicine, Mass General Brigham Personalized Medicine); PubMed 27468418 (cited by Laboratory for Molecular Medicine, Mass General Brigham Personalized Medicine); PubMed 1773534 (cited by OMIM); PubMed 37321975 (cited by OMIM).